The following is an entry in ClinVar:

NM_144573.4(NEXN):c.733_734delinsAA (p.Gly245Lys)

Gene: NEXN (nexilin F-actin binding protein; plus strand). Cytogenetic location: 1p31.1.
Variant type: Indel.
Coding change: c.733_734delinsAA on transcript NM_144573.4 (MANE Select); coding-DNA positions 733 to 734, GG replaced by AA.
Protein change: p.Gly245Lys; replaces glycine 245 with lysine.
Molecular consequence: missense variant.
Genome position (GRCh38, 1-based): chr1:77,926,761-77,926,762, GG replaced by AA. VCF-style: chr1-77926761-GG-AA. GRCh37 (hg19) VCF-style: chr1-78392446-GG-AA.
Other names: c.541_542delinsAA, p.Gly181Lys (NM_001172309.2); short protein forms G245K, G181K.
Identifiers: ClinVar variation 4842060 (VCV004842060.1).

ClinVar aggregate classification (germline): Uncertain significance (1 of 4 stars; one submission).

Conditions:
Cardiovascular phenotype. Identifiers: MedGen CN230736.

Submission:

Ambry Genetics
Classification: Uncertain significance for Cardiovascular phenotype. Last evaluated: 2025-12-18. Review status: criteria provided, single submitter. Criteria: Ambry Variant Classification Scheme 2023. Collection method: clinical testing. Allele origin: germline.
Comment: The c.733_734delGGinsAA variant (also known as p.G245K), located in coding exon 7 of the NEXN gene, results from an in-frame deletion of GG and insertion of AA at nucleotide positions 733 to 734. This results in the substitution of the glycine residue for a lysine residue at codon 245, an amino acid with dissimilar properties. This amino acid position is highly conserved in available vertebrate species. In addition, this variant is predicted to be neutral by in silico analysis (Choi Y et al. PLoS ONE. 2012; 7(10):e46688). Based on the available evidence, the clinical significance of this variant remains unclear.